The following is an entry in ClinVar:

ClinVar aggregate classification (germline): Benign/Likely benign. Review status: criteria provided, multiple submitters, no conflicts (2 of 4 stars). 3 submissions from 3 submitters: Benign (1); Likely benign (1). 1 of the submissions does not count toward it. Last evaluated 2024-11-05.

Conditions:
CASTOR3-related condition.

Allele frequency attached by ClinVar (database versions not stated): gnomAD exomes 0.00051; ExAC 0.00066; ESP Exome Variant Server 0.00146; gnomAD 0.00183 and 0.00190; TOPMed 0.00195; 1000 Genomes Project 0.00300; 1000 Genomes Project 30x 0.00344.
gnomAD v4.1: 548 of 1,614,128 alleles (0.034%); highest among the groups gnomAD compares: African/African-American, 0.64%; 4 homozygotes.

Submissions (3):

Blueprint Genetics
Classification: Likely benign. Last evaluated: 2024-11-05. Review status: criteria provided, single submitter. Criteria: ACMG Guidelines, 2015. Collection method: clinical testing. Allele origin: germline.

Labcorp Genetics (formerly Invitae), Labcorp
Classification: Benign. Last evaluated: 2018-01-24. Review status: criteria provided, single submitter. Criteria: Invitae Variant Classification Sherloc (09022015). Collection method: clinical testing. Allele origin: germline.

PreventionGenetics, part of Exact Sciences
Classification: Likely benign for CASTOR3-related condition. Last evaluated: 2019-04-18. Review status: no assertion criteria provided. Collection method: clinical testing. Allele origin: germline. Not counted in ClinVar's aggregate classification.
Comment: This variant is classified as likely benign based on ACMG/AMP sequence variant interpretation guidelines (Richards et al. 2015 PMID: 25741868, with internal and published modifications).

NM_001282717.2(STAG3):c.2301+7G>A

Gene: STAG3 (STAG3 cohesin complex component; plus strand). Cytogenetic location: 7q22.1.
Variant type: single nucleotide variant.
Coding change: c.2301+7G>A on transcript NM_001282717.2 (MANE Select); 7 bases into the intron after coding-DNA position 2301, G replaced by A.
Molecular consequence: intron variant. On other transcripts: non-coding transcript variant (2).
Genome position (GRCh38, 1-based): chr7:100,201,873, G>A. VCF-style: chr7-100201873-G-A. GRCh37 (hg19) VCF-style: chr7-99799496-G-A.
Other names: NM_178831.6:c.*779C>T; c.2301+7G>A (NM_001282716.1, NM_012447.4, NM_001375438.1); c.2127+7G>A (NM_001282718.2).
Identifiers: ClinVar variation 776246 (VCV000776246.5), dbSNP rs140742906, ClinGen allele CA4378691.